The following is an entry in ClinVar:

ClinVar aggregate classification (germline): Uncertain significance (1 of 4 stars; one submission).

Conditions:
Dyskeratosis congenita. Identifiers: Orphanet 1775, MedGen C0265965, MONDO:0015780.

Allele frequency attached by ClinVar (database versions not stated): TOPMed below 0.00001; gnomAD 0.00001; gnomAD exomes 0.00001 and 0.00002; ExAC 0.00002.

Submission:

Labcorp Genetics (formerly Invitae), Labcorp
Classification: Uncertain significance for Dyskeratosis congenita. Last evaluated: 2025-01-23. Review status: criteria provided, single submitter. Criteria: Invitae Variant Classification Sherloc (09022015). Collection method: clinical testing. Allele origin: germline.
Comment: This sequence change replaces threonine, which is neutral and polar, with methionine, which is neutral and non-polar, at codon 922 of the CTC1 protein (p.Thr922Met). This variant is present in population databases (rs760623153, gnomAD 0.002%). This variant has not been reported in the literature in individuals affected with CTC1-related conditions. ClinVar contains an entry for this variant (Variation ID: 1023058). Invitae Evidence Modeling of protein sequence and biophysical properties (such as structural, functional, and spatial information, amino acid conservation, physicochemical variation, residue mobility, and thermodynamic stability) indicates that this missense variant is expected to disrupt CTC1 protein function with a positive predictive value of 80%. In summary, the available evidence is currently insufficient to determine the role of this variant in disease. Therefore, it has been classified as a Variant of Uncertain Significance.

NM_025099.6(CTC1):c.2765C>T (p.Thr922Met)

Gene: CTC1 (CST telomere replication complex component 1; minus strand). Cytogenetic location: 17p13.1.
Variant type: single nucleotide variant.
Coding change: c.2765C>T on transcript NM_025099.6 (MANE Select); coding-DNA position 2765, C replaced by T.
Protein change: p.Thr922Met; replaces threonine 922 with methionine.
Molecular consequence: missense variant. On other transcripts: non-coding transcript variant (1).
Genome position (GRCh38, 1-based): chr17:8,230,462, G>A on the plus strand (C>T on the coding strand, the complement: CTC1 is on the minus strand). VCF-style: chr17-8230462-G-A. GRCh37 (hg19) VCF-style: chr17-8133780-G-A.
Other names: short protein forms T922M.
Identifiers: ClinVar variation 1023058 (VCV001023058.7), dbSNP rs760623153, ClinGen allele CA8371973.
Genomic context (GRCh38, chr17:8,230,462, plus strand): 5'-AATTCACATTCAGCAGTCTCAAGAGCGACTGTTAGCTTCACACACCTTCTCATGGCCCCC[G>A]TGTTCCCTATAGAAGGAAGGTGGGTGTTAGTAGGATCTGTGAAGTCCACAAAGTCCCATC-3'
Protein context (NP_079375.3, residues 912-932): VASLWMKLGN[Thr922Met]GAMRRCVKLT